The following is an entry in ClinVar:

NM_001035.3(RYR2):c.3054T>C (p.Tyr1018=)

Gene: RYR2 (ryanodine receptor 2; plus strand). Cytogenetic location: 1q43.
Variant type: single nucleotide variant.
Coding change: c.3054T>C on transcript NM_001035.3 (MANE Select); coding-DNA position 3054, T replaced by C.
Protein change: p.Tyr1018=; no amino-acid change (tyrosine 1018 retained).
Molecular consequence: synonymous variant.
Genome position (GRCh38, 1-based): chr1:237,548,578, T>C. VCF-style: chr1-237548578-T-C. GRCh37 (hg19) VCF-style: chr1-237711878-T-C.
Identifiers: ClinVar variation 178116 (VCV000178116.31), dbSNP rs113422365, ClinGen allele CA009048.

ClinVar aggregate classification (germline): Conflicting classifications of pathogenicity. Review status: criteria provided, conflicting classifications (1 of 4 stars). 11 submissions from 10 submitters: Uncertain significance (1); Benign (6); Likely benign (4). Last evaluated 2026-01-13.

Conditions:
Cardiovascular phenotype. Identifiers: MedGen CN230736.
Catecholaminergic polymorphic ventricular tachycardia (CVPT). Also called: Catecholamine-induced polymorphic ventricular tachycardia. Identifiers: Orphanet 3286, MedGen C5574922, MONDO:0017990.
Cardiomyopathy (CMYO). Also called: Cardiomyopathies. Identifiers: Orphanet 167848, MedGen C0878544, MONDO:0004994, HP:0001638. Inheritance: Various modes of inheritance.
Catecholaminergic polymorphic ventricular tachycardia 1. Also called: VENTRICULAR TACHYCARDIA, STRESS-INDUCED POLYMORPHIC 1; VENTRICULAR TACHYCARDIA, CATECHOLAMINERGIC POLYMORPHIC, 1, WITH OR WITHOUT ATRIAL DYSFUNCTION AND/OR DILATED CARDIOMYOPATHY; RYR2-Related Catecholaminergic Polymorphic Ventricular Tachycardia. Identifiers: Orphanet 3286, MedGen C1631597, MONDO:0011484, OMIM 604772.
Arrhythmogenic right ventricular dysplasia 2. Identifiers: MedGen C1832931.

Allele frequency attached by ClinVar (database versions not stated): 1000 Genomes Project 30x 0.00016; ExAC 0.00017; gnomAD exomes 0.00017 and 0.00010; 1000 Genomes Project 0.00020; ESP Exome Variant Server 0.00082; gnomAD 0.00058 and 0.00060; TOPMed 0.00064.
gnomAD v4.1: 274 of 1,613,906 alleles (0.017%); highest among the groups gnomAD compares: African/African-American, 0.24%; 5 homozygotes.

Submissions (11):

Labcorp Genetics (formerly Invitae), Labcorp
Classification: Benign for Catecholaminergic polymorphic ventricular tachycardia 1. Last evaluated: 2026-01-13. Review status: criteria provided, single submitter. Criteria: Invitae Variant Classification Sherloc (09022015). Collection method: clinical testing. Allele origin: germline.

Molecular Diagnostic Laboratory for Inherited Cardiovascular Disease, Montreal Heart Institute
Classification: Benign. Last evaluated: 2025-04-09. Review status: criteria provided, single submitter. Criteria: ACMG Guidelines, 2015. Collection method: clinical testing. Allele origin: germline. Affected: no.

Blueprint Genetics
Classification: Likely benign. Last evaluated: 2024-11-05. Review status: criteria provided, single submitter. Criteria: ACMG Guidelines, 2015. Collection method: clinical testing. Allele origin: germline.

All of Us Research Program, National Institutes of Health
Classification: Benign for Catecholaminergic polymorphic ventricular tachycardia. Last evaluated: 2024-02-05. Review status: criteria provided, single submitter. Criteria: ACMG Guidelines, 2015. Collection method: clinical testing. Allele origin: germline. Inheritance: Autosomal dominant inheritance. Observed: 43 variant alleles, 43 heterozygotes.
Comment: This study involves interpretation of variants in research participants for the purpose of population health screening. Participant phenotype was not available at the time of variant classification. Additional details can be found in publication PMID: 35346344, PMCID: PMC8962531

Women's Health and Genetics/Laboratory Corporation of America, LabCorp
Classification: Benign. Last evaluated: 2021-11-29. Review status: criteria provided, single submitter. Criteria: LabCorp Variant Classification Summary - May 2015. Collection method: clinical testing. Allele origin: germline.

Color Diagnostics, LLC DBA Color Health
Classification: Benign for Cardiomyopathy. Last evaluated: 2018-05-11. Review status: criteria provided, single submitter. Criteria: ACMG Guidelines, 2015. Collection method: clinical testing. Allele origin: germline.

Illumina Laboratory Services, Illumina
Classification: Uncertain significance for Catecholaminergic polymorphic ventricular tachycardia 1. Last evaluated: 2018-01-13. Review status: criteria provided, single submitter. Criteria: ICSL Variant Classification Criteria 13 December 2019. Collection method: clinical testing. Allele origin: germline.

Illumina Laboratory Services, Illumina
Classification: Likely benign for Catecholaminergic polymorphic ventricular tachycardia 1. Last evaluated: 2018-01-13. Review status: criteria provided, single submitter. Criteria: ICSL Variant Classification Criteria 13 December 2019. Collection method: clinical testing. Allele origin: germline.
Comment: This variant was observed in the ICSL laboratory as part of a predisposition screen in an ostensibly healthy population. It had not been previously curated by ICSL or reported in the Human Gene Mutation Database (HGMD: prior to June 1st, 2018), and was therefore a candidate for classification through an automated scoring system. Utilizing variant allele frequency, disease prevalence and penetrance estimates, and inheritance mode, an automated score was calculated to assess if this variant is too frequent to cause the disease. Based on the score and internal cut-off values, a variant classified as likely benign is not then subjected to further curation. The score for this variant resulted in a classification of likely benign for this disease.

Ambry Genetics
Classification: Likely benign for Cardiovascular phenotype. Last evaluated: 2015-07-28. Review status: criteria provided, single submitter. Criteria: Ambry Variant Classification Scheme 2023. Collection method: clinical testing. Allele origin: germline.

GeneDx
Classification: Benign. Last evaluated: 2015-07-02. Review status: criteria provided, single submitter. Criteria: GeneDx Variant Classification (06012015). Collection method: clinical testing. Allele origin: germline. Affected: yes.
Comment: This variant is considered likely benign or benign based on one or more of the following criteria: it is a conservative change, it occurs at a poorly conserved position in the protein, it is predicted to be benign by multiple in silico algorithms, and/or has population frequency not consistent with disease.

Laboratory for Molecular Medicine, Mass General Brigham Personalized Medicine
Classification: Likely benign. Last evaluated: 2012-03-19. Review status: criteria provided, single submitter. Criteria: LMM Criteria. Collection method: clinical testing. Allele origin: germline. Observed: 2 variant alleles.
Comment: p.Tyr1018Tyr in exon 26 of RYR2: This variant is not expected to have clinical s ignificance because it does not alter an amino acid residue and is not located w ithin the splice consensus sequence. It has been identified in 0.2% (7/3204) of African American chromosomes from a broad population by the NHLBI Exome Sequenci ng Project (dbSNP rs113422365).